The following is an entry in ClinVar:

NM_000996.4(RPL35A):c.-32-3A>G

Genes: DRC9 (dynein regulatory complex subunit 9; minus strand), RPL35A (ribosomal protein L35a; plus strand). Cytogenetic location: 3q29.
Variant type: single nucleotide variant.
Coding change: c.-32-3A>G on transcript NM_000996.4 (MANE Select); 3 bases into the intron before 32 bases upstream of the start codon, A replaced by G.
Molecular consequence: intron variant.
Genome position (GRCh38, 1-based): chr3:197,950,933, A>G. VCF-style: chr3-197950933-A-G. GRCh37 (hg19) VCF-style: chr3-197677804-A-G.
Other names: NC_000003.11:g.197677804A>G; c.-49-6882T>C (NM_001323028.2); c.-59-5247T>C (NM_032263.5); c.-374-5247T>C (NM_001323029.2); c.-32-3A>G (NM_001316311.2).
Identifiers: ClinVar variation 344526 (VCV000344526.6), dbSNP rs200335648, ClinGen allele CA2789124.

ClinVar aggregate classification (germline): Benign (1 of 4 stars; one submission).

Conditions:
Diamond-Blackfan anemia 5 (DBA5). Also called: RPL35A-Related Diamond-Blackfan Anemia. Identifiers: Orphanet 124, MedGen C2675859, MONDO:0012925, OMIM 612528.

Allele frequency attached by ClinVar (database versions not stated): gnomAD exomes 0.00010 and 0.00037; TOPMed 0.00010; gnomAD 0.00012 and 0.00023; 1000 Genomes Project 30x 0.00047; 1000 Genomes Project 0.00060.
gnomAD v4.1: 563 of 1,613,932 alleles (0.035%); highest among the groups gnomAD compares: East Asian, 1.2%; 5 homozygotes.

Submissions (4):

Illumina Laboratory Services, Illumina
Classification: Benign for Diamond-Blackfan anemia 5. Last evaluated: 2018-01-13. Review status: criteria provided, single submitter. Criteria: ICSL Variant Classification Criteria 13 December 2019. Collection method: clinical testing. Allele origin: germline.
Comment: This variant was observed in the ICSL laboratory as part of a predisposition screen in an ostensibly healthy population. It had not been previously curated by ICSL or reported in the Human Gene Mutation Database (HGMD: prior to June 1st, 2018), and was therefore a candidate for classification through an automated scoring system. Utilizing variant allele frequency, disease prevalence and penetrance estimates, and inheritance mode, an automated score was calculated to assess if this variant is too frequent to cause the disease. Based on the score and internal cut-off values, a variant classified as benign is not then subjected to further curation. The score for this variant resulted in a classification of benign for this disease.

Dr. Peter K. Rogan Lab, Western University
No classification provided (evidence only). Condition: Hepatocellular carcinoma. Review status: no classification provided. Collection method: in vitro. Allele origin: not applicable. Functional consequence: retained intron. Not counted in ClinVar's aggregate classification.

Dr. Peter K. Rogan Lab, Western University
No classification provided (evidence only). Condition: Hepatocellular carcinoma. Review status: no classification provided. Collection method: in vitro. Allele origin: not applicable. Functional consequence: retained intron. Not counted in ClinVar's aggregate classification.

Dr. Peter K. Rogan Lab, Western University
No classification provided (evidence only). Condition: Hepatocellular carcinoma. Review status: no classification provided. Collection method: in vitro. Allele origin: not applicable. Functional consequence: retained intron. Not counted in ClinVar's aggregate classification.